The following is an entry in ClinVar:

NM_000548.5(TSC2):c.4033_4053dup (p.Lys1345_Glu1351dup)

Gene: TSC2 (TSC complex subunit 2; plus strand). Cytogenetic location: 16p13.3.
Variant type: Duplication.
Coding change: c.4033_4053dup on transcript NM_000548.5 (MANE Select); coding-DNA positions 4033 to 4053, 21 bases duplicated (AAGTCGCTCCACGCGGAGGAG).
Protein change: p.Lys1345_Glu1351dup.
Molecular consequence: inframe insertion.
Genome position (GRCh38, 1-based): chr16:2,084,255-2,084,275, AAGTCGCTCCACGCGGAGGAG duplicated; duplicating any 21 consecutive bases within chr16:2,084,248-2,084,275 gives the same sequence; the c. name uses the placement nearest the transcript's 3' end. VCF-style (leftmost placement, unchanged base first): chr16-2084247-A-AGGAGGAGAAGTCGCTCCACGC. GRCh37 (hg19) VCF-style: chr16-2134248-A-AGGAGGAGAAGTCGCTCCACGC.
Other names: c.3832_3852dup, p.Lys1278_Glu1284dup (NM_001077183.3); c.3964_3984dup, p.Lys1322_Glu1328dup (NM_001114382.3); c.3724_3744dup, p.Lys1242_Glu1248dup (NM_001318827.2); c.3688_3708dup, p.Lys1230_Glu1236dup (NM_001318829.2); c.3301_3321dup, p.Lys1101_Glu1107dup (NM_001318831.2); c.3865_3885dup, p.Lys1289_Glu1295dup (NM_001318832.2); c.3835_3855dup, p.Lys1279_Glu1285dup (NM_001363528.2); c.3901_3921dup, p.Lys1301_Glu1307dup (NM_001370404.1); and 1 more.
Identifiers: ClinVar variation 654737 (VCV000654737.9), dbSNP rs1596415359, ClinGen allele CA915946302.

ClinVar aggregate classification (germline): Uncertain significance. Review status: criteria provided, multiple submitters, no conflicts (2 of 4 stars). 2 submissions from 2 submitters: Uncertain significance (2). Last evaluated 2025-12-22.

Conditions:
Tuberous sclerosis 2 (TSC2). Identifiers: Orphanet 805, MedGen C1860707, MONDO:0013199, OMIM 613254.

Submissions (2):

Dasa
Classification: Uncertain significance for Tuberous sclerosis 2. Last evaluated: 2025-12-22. Review status: criteria provided, single submitter. Criteria: DASA Assertion Criteria. Collection method: clinical testing. Allele origin: germline.
Comment: NM_000548.5(TSC2):c.4033_4053dup (p.Lys1345_Glu1351dup) is a sequence variant. Based on the available data, this variant is classified as variant of uncertain significance.

Labcorp Genetics (formerly Invitae), Labcorp
Classification: Uncertain significance for Tuberous sclerosis 2. Last evaluated: 2025-10-21. Review status: criteria provided, single submitter. Criteria: Invitae Variant Classification Sherloc (09022015). Collection method: clinical testing. Allele origin: germline.
Comment: This variant, c.4033_4053dup, results in the insertion of 7 amino acid(s) of the TSC2 protein (p.Lys1345_Glu1351dup), but otherwise preserves the integrity of the reading frame. This variant is not present in population databases (gnomAD no frequency). This variant has not been reported in the literature in individuals affected with TSC2-related conditions. ClinVar contains an entry for this variant (Variation ID: 654737). Experimental studies and prediction algorithms are not available or were not evaluated, and the functional significance of this variant is currently unknown. In summary, the available evidence is currently insufficient to determine the role of this variant in disease. Therefore, it has been classified as a Variant of Uncertain Significance.